The following is an entry in ClinVar:

NM_130810.4(DNAAF4):c.293G>T (p.Arg98Ile)

Genes: DNAAF4 (dynein axonemal assembly factor 4; minus strand), DNAAF4-CCPG1 (DNAAF4-CCPG1 readthrough (NMD candidate); minus strand). Cytogenetic location: 15q21.3.
Variant type: single nucleotide variant.
Coding change: c.293G>T on transcript NM_130810.4 (MANE Select); coding-DNA position 293, G replaced by T.
Protein change: p.Arg98Ile; replaces arginine 98 with isoleucine.
Molecular consequence: missense variant. On other transcripts: non-coding transcript variant (1).
Genome position (GRCh38, 1-based): chr15:55,491,235, C>A on the plus strand (G>T on the coding strand, the complement: DNAAF4 is on the minus strand). VCF-style: chr15-55491235-C-A. GRCh37 (hg19) VCF-style: chr15-55783433-C-A.
Other names: c.293G>T, p.Arg98Ile (NM_001033559.3, NM_001033560.2); short protein forms R98I.
Identifiers: ClinVar variation 1481919 (VCV001481919.8), dbSNP rs2058567084, ClinGen allele CA392551610.
Genomic context (GRCh38, chr15:55,491,235, plus strand): 5'-TTTGCTTCTGTAGCTTCTTTTGCTCTCTCTTGTGCTTGTAAAATAGATTTTTCTCTAATT[C>A]TTTGCATCATCTCTTTGTCAACTAAAATGTACAGAATATTGCTAAATTAGAATTATGACA-3'
Protein context (NP_570722.2, residues 88-108): VTGVDKEMMQ[Arg98Ile]IREKSILQAQ

ClinVar aggregate classification (germline): Uncertain significance (1 of 4 stars; one submission).

Allele frequency attached by ClinVar (database versions not stated): TOPMed 0.00002.

Submission:

Labcorp Genetics (formerly Invitae), Labcorp
Classification: Uncertain significance. Last evaluated: 2023-10-03. Review status: criteria provided, single submitter. Criteria: Invitae Variant Classification Sherloc (09022015). Collection method: clinical testing. Allele origin: germline.
Comment: This sequence change replaces arginine, which is basic and polar, with isoleucine, which is neutral and non-polar, at codon 98 of the DNAAF4 protein (p.Arg98Ile). This variant is not present in population databases (gnomAD no frequency). This variant has not been reported in the literature in individuals affected with DNAAF4-related conditions. ClinVar contains an entry for this variant (Variation ID: 1481919). Advanced modeling of protein sequence and biophysical properties (such as structural, functional, and spatial information, amino acid conservation, physicochemical variation, residue mobility, and thermodynamic stability) has been performed at Invitae for this missense variant, however the output from this modeling did not meet the statistical confidence thresholds required to predict the impact of this variant on DNAAF4 protein function. Algorithms developed to predict the effect of sequence changes on RNA splicing suggest that this variant may create or strengthen a splice site. In summary, the available evidence is currently insufficient to determine the role of this variant in disease. Therefore, it has been classified as a Variant of Uncertain Significance.